The following is an entry in ClinVar:

NM_020822.3(KCNT1):c.2594+6G>A

Gene: KCNT1 (potassium sodium-activated channel subfamily T member 1; plus strand). Cytogenetic location: 9q34.3.
Variant type: single nucleotide variant.
Coding change: c.2594+6G>A on transcript NM_020822.3 (MANE Select); 6 bases into the intron after coding-DNA position 2594, G replaced by A.
Molecular consequence: intron variant.
Genome position (GRCh38, 1-based): chr9:135,778,501, G>A. VCF-style: chr9-135778501-G-A. GRCh37 (hg19) VCF-style: chr9-138670347-G-A.
Other names: c.2459+6G>A (NM_001272003.2).
Identifiers: ClinVar variation 507504 (VCV000507504.15), dbSNP rs973179248, ClinGen allele CA201480716.

ClinVar aggregate classification (germline): Conflicting classifications of pathogenicity. Review status: criteria provided, conflicting classifications (1 of 4 stars). 4 submissions from 4 submitters: Uncertain significance (1); Likely benign (3). Last evaluated 2025-12-15.

Conditions:
Developmental and epileptic encephalopathy, 14 (DEE14). Also called: Early infantile epileptic encephalopathy 14. Identifiers: Orphanet 293181, MedGen C3554195, MONDO:0013989, OMIM 614959.
Autosomal dominant nocturnal frontal lobe epilepsy 5. Also called: KCNT1-Related Epilepsy; Epilepsy, nocturnal frontal lobe, 5; CILIARY DYSKINESIA, PRIMARY, 28, WITHOUT SITUS INVERSUS; CILIARY DYSKINESIA, PRIMARY, 28, WITH SITUS INVERSUS. Identifiers: Orphanet 98784, MedGen C3554306, MONDO:0014002, OMIM 615005.

Allele frequency attached by ClinVar (database versions not stated): gnomAD 0.00001; gnomAD exomes 0.00001 and 0.00006; TOPMed 0.00004.
gnomAD v4.1: 90 of 1,576,968 alleles (0.0057%); highest among the groups gnomAD compares: Non-Finnish European, 0.0074%; no homozygotes.

Submissions (4):

Labcorp Genetics (formerly Invitae), Labcorp
Classification: Likely benign for Autosomal dominant nocturnal frontal lobe epilepsy 5; Developmental and epileptic encephalopathy, 14. Last evaluated: 2025-12-15. Review status: criteria provided, single submitter. Criteria: Invitae Variant Classification Sherloc (09022015). Collection method: clinical testing. Allele origin: germline.

Blueprint Genetics
Classification: Likely benign. Last evaluated: 2019-04-18. Review status: criteria provided, single submitter. Criteria: ACMG Guidelines, 2015. Collection method: clinical testing. Allele origin: germline.

Eurofins Ntd Llc (ga)
Classification: Uncertain significance. Last evaluated: 2018-06-14. Review status: criteria provided, single submitter. Criteria: EGL ClinVar v180209 classification definitions. Collection method: clinical testing. Allele origin: germline. Observed: 1 variant allele, 1 heterozygote.

GeneDx
Classification: Likely benign. Last evaluated: 2017-02-20. Review status: criteria provided, single submitter. Criteria: GeneDx Variant Classification (06012015). Collection method: clinical testing. Allele origin: germline. Affected: yes.
Comment: This variant is considered likely benign or benign based on one or more of the following criteria: it is a conservative change, it occurs at a poorly conserved position in the protein, it is predicted to be benign by multiple in silico algorithms, and/or has population frequency not consistent with disease.